The following is an entry in ClinVar:

NM_012062.5(DNM1L):c.2102C>T (p.Thr701Ile)

Gene: DNM1L (dynamin 1 like; plus strand). Cytogenetic location: 12p11.21.
Variant type: single nucleotide variant.
Coding change: c.2102C>T on transcript NM_012062.5 (MANE Select); coding-DNA position 2102, C replaced by T.
Protein change: p.Thr701Ile; replaces threonine 701 with isoleucine.
Molecular consequence: missense variant.
Genome position (GRCh38, 1-based): chr12:32,742,696, C>T. VCF-style: chr12-32742696-C-T. GRCh37 (hg19) VCF-style: chr12-32895630-C-T.
Other names: c.2069C>T, p.Thr690Ile (NM_001278463.2); c.2141C>T, p.Thr714Ile (NM_001278464.2); c.2108C>T, p.Thr703Ile (NM_001278465.2); c.1493C>T, p.Thr498Ile (NM_001278466.2); c.2030C>T, p.Thr677Ile (NM_001330380.2); c.1991C>T, p.Thr664Ile (NM_005690.5); c.2024C>T, p.Thr675Ile (NM_012063.4); short protein forms T664I, T690I, T703I, T714I, T675I, T498I, T677I, T701I.
Identifiers: ClinVar variation 1904498 (VCV001904498.5), dbSNP rs1432284979, ClinGen allele CA384365956.

ClinVar aggregate classification (germline): Uncertain significance (1 of 4 stars; one submission).

Allele frequency attached by ClinVar (database versions not stated): TOPMed below 0.00001; gnomAD 0.00001; gnomAD exomes 0.00001.
gnomAD v4.1: 11 of 1,613,886 alleles (0.00068%); highest among the groups gnomAD compares: African/African-American, 0.0013%; no homozygotes.

Submission:

Labcorp Genetics (formerly Invitae), Labcorp
Classification: Uncertain significance. Last evaluated: 2025-10-20. Review status: criteria provided, single submitter. Criteria: Invitae Variant Classification Sherloc (09022015). Collection method: clinical testing. Allele origin: germline.
Comment: This sequence change replaces threonine, which is neutral and polar, with isoleucine, which is neutral and non-polar, at codon 701 of the DNM1L protein (p.Thr701Ile). This variant is not present in population databases (gnomAD no frequency). This variant has not been reported in the literature in individuals affected with DNM1L-related conditions. ClinVar contains an entry for this variant (Variation ID: 1904498). An algorithm developed to predict the effect of missense changes on protein structure and function (PolyPhen-2) suggests that this variant is likely to be tolerated. In summary, the available evidence is currently insufficient to determine the role of this variant in disease. Therefore, it has been classified as a Variant of Uncertain Significance.